The following is an entry in ClinVar:

ClinVar aggregate classification (germline): Likely pathogenic (1 of 4 stars; one submission).

Conditions:
Pheochromocytoma/paraganglioma syndrome 4. Also called: PARAGANGLIOMA, FAMILIAL MALIGNANT; PARAGANGLIOMAS, HEREDITARY EXTRAADRENAL; PHEOCHROMOCYTOMA, FAMILIAL EXTRAADRENAL; Paragangliomas 4; SDHB-Related Hereditary Paraganglioma-Pheochromocytoma Syndrome (Paragangliomas 4); CAROTID BODY TUMORS AND MULTIPLE EXTRAADRENAL PHEOCHROMOCYTOMAS. Identifiers: Orphanet 29072, MedGen C1861848, MONDO:0007273, OMIM 115310.

Submission:

Juno Genomics, Hangzhou Juno Genomics, Inc
Classification: Likely pathogenic for Pheochromocytoma/paraganglioma syndrome 4. Review status: criteria provided, single submitter. Criteria: ACMG Guidelines, 2015. Collection method: clinical testing. Allele origin: germline.
Comment: Absent from controls (or at extremely low frequency if recessive) in Genome Aggregation Database.;Null variant in a gene where loss of function (LOF) is a known mechanism of disease.

NM_003000.3(SDHB):c.252_264del (p.Thr86fs)

Gene: SDHB (succinate dehydrogenase complex iron sulfur subunit B; minus strand). Cytogenetic location: 1p36.13.
Variant type: Deletion.
Coding change: c.252_264del on transcript NM_003000.3 (MANE Select); coding-DNA positions 252 to 264, 13 bases deleted (CTCTACTTTGACC).
Protein change: p.Thr86fs; shifts the reading frame from threonine 86.
Molecular consequence: frameshift variant.
Genome position (GRCh38, 1-based): chr1:17,033,082-17,033,094, GGTCAAAGTAGAG deleted on the plus strand (CTCTACTTTGACC on the coding strand, the reverse complement: SDHB is on the minus strand). VCF-style (leftmost placement, unchanged base first): chr1-17033081-AGGTCAAAGTAGAG-A. GRCh37 (hg19) VCF-style: chr1-17359576-AGGTCAAAGTAGAG-A.
Other names: c.252_264del, p.Thr86fs (NM_001407361.1); short protein forms T86fs.
Identifiers: ClinVar variation 5019093 (VCV005019093.2).
Genomic context (GRCh38, chr1:17,033,081, plus strand): 5'-CCACAAGTATCTGGAGCCCAACAGGAATGAAATGCTCACCTTCTCTGCATGATCTTCGGA[AGGTCAAAGTAGAG>A]TCAACTTCATTCTTAATCTTGATTAAAGCATCCAATACCATGGGGCCACATCTAACAAAG-3'